The following is an entry in ClinVar:

ClinVar aggregate classification (germline): Uncertain significance (1 of 4 stars; one submission).

Conditions:
IFT172-related disorder. Also called: IFT172-related disorders; IFT172-related condition.

Submission:

PreventionGenetics, part of Exact Sciences
Classification: Uncertain significance for IFT172-related condition. Last evaluated: 2024-10-25. Review status: criteria provided, single submitter. Criteria: ACMG Guidelines, 2015. Collection method: clinical testing. Allele origin: germline.
Comment: The IFT172 c.998C>A variant is predicted to result in the amino acid substitution p.Pro333His. To our knowledge, this variant has not been reported in the literature or in a large population database (gnomAD), indicating this variant is rare. At this time, the clinical significance of this variant is uncertain due to the absence of conclusive functional and genetic evidence.

NM_015662.3(IFT172):c.998C>A (p.Pro333His)

Gene: IFT172 (intraflagellar transport 172; minus strand). Cytogenetic location: 2p23.3.
Variant type: single nucleotide variant.
Coding change: c.998C>A on transcript NM_015662.3 (MANE Select); coding-DNA position 998, C replaced by A.
Protein change: p.Pro333His; replaces proline 333 with histidine.
Molecular consequence: missense variant.
Genome position (GRCh38, 1-based): chr2:27,479,516, G>T on the plus strand (C>A on the coding strand, the complement: IFT172 is on the minus strand). VCF-style: chr2-27479516-G-T. GRCh37 (hg19) VCF-style: chr2-27702383-G-T.
Other names: c.998C>A, p.Pro333His (NM_001410739.1); short protein forms P333H.
Identifiers: ClinVar variation 4997930 (VCV004997930.1).